The following is an entry in ClinVar:

ClinVar aggregate classification (germline): Uncertain significance (1 of 4 stars; one submission).

Allele frequency attached by ClinVar (database versions not stated): gnomAD exomes 0.00001; ExAC 0.00002; TOPMed 0.00003; gnomAD 0.00004; 1000 Genomes Project 30x 0.00016; 1000 Genomes Project 0.00020.
gnomAD v4.1: 26 of 1,613,662 alleles (0.0016%); highest among the groups gnomAD compares: East Asian, 0.0045%; no homozygotes.

Submission:

GeneDx
Classification: Uncertain significance. Last evaluated: 2023-01-11. Review status: criteria provided, single submitter. Criteria: GeneDx Variant Classification Process June 2021. Collection method: clinical testing. Allele origin: germline. Affected: yes.
Comment: In silico analysis supports that this missense variant has a deleterious effect on protein structure/function; Has not been previously published as pathogenic or benign to our knowledge

NM_052867.4(NALCN):c.4940T>C (p.Leu1647Pro)

Genes: NALCN (sodium leak channel, non-selective; minus strand), NALCN-AS1 (NALCN antisense RNA 1; plus strand). Cytogenetic location: 13q32.3.
Variant type: single nucleotide variant.
Coding change: c.4940T>C on transcript NM_052867.4 (MANE Select); coding-DNA position 4940, T replaced by C.
Protein change: p.Leu1647Pro; replaces leucine 1647 with proline.
Molecular consequence: missense variant. On other transcripts: non-coding transcript variant (1).
Genome position (GRCh38, 1-based): chr13:101,058,022, A>G on the plus strand (T>C on the coding strand, the complement: NALCN is on the minus strand). VCF-style: chr13-101058022-A-G. GRCh37 (hg19) VCF-style: chr13-101710374-A-G.
Other names: c.5027T>C, p.Leu1676Pro (NM_001350748.2); c.4940T>C, p.Leu1647Pro (NM_001350749.2); c.4853T>C, p.Leu1618Pro (NM_001350750.2, NM_001350751.2); short protein forms L1676P, L1618P, L1647P.
Identifiers: ClinVar variation 2136187 (VCV002136187.1), dbSNP rs534216823, ClinGen allele CA7034965.
Genomic context (GRCh38, chr13:101,058,022, plus strand): 5'-AATTTCCTCTGGGGTTTCCCTGCGTCGGCTGCATCTTGCCGACTTCCTCCTCGATCCGAC[A>G]GCGTGGGGCTCAGGAGCTGCTGCTGGCTGCTTGTCTGCATGGGAGGAGAAGCACACAGTT-3'
Protein context (NP_443099.1, residues 1637-1657): SSQQQLLSPT[Leu1647Pro]SDRGGSRQDA